The following is an entry in ClinVar:

ClinVar aggregate classification (germline): Uncertain significance (1 of 4 stars; one submission).

gnomAD v4.1: 2 of 1,613,472 alleles (0.00012%); highest among the groups gnomAD compares: African/African-American, 0.0027%; no homozygotes.

Submission:

Labcorp Genetics (formerly Invitae), Labcorp
Classification: Uncertain significance. Last evaluated: 2021-08-20. Review status: criteria provided, single submitter. Criteria: Invitae Variant Classification Sherloc (09022015). Collection method: clinical testing. Allele origin: germline.
Comment: This sequence change replaces alanine with glycine at codon 214 of the KCNJ1 protein (p.Ala214Gly). The alanine residue is highly conserved and there is a small physicochemical difference between alanine and glycine. This variant is present in population databases (rs104894246, ExAC 0.01%). This variant has not been reported in the literature in individuals affected with KCNJ1-related conditions. Algorithms developed to predict the effect of missense changes on protein structure and function (SIFT, PolyPhen-2, Align-GVGD) all suggest that this variant is likely to be tolerated. Algorithms developed to predict the effect of sequence changes on RNA splicing suggest that this variant may create or strengthen a splice site. This variant disrupts the p.Ala214 amino acid residue in KCNJ1. Other variant(s) that disrupt this residue have been determined to be pathogenic (PMID: 8841184, 9580611, 22441188). This suggests that this residue is clinically significant, and that variants that disrupt this residue are likely to be disease-causing. In summary, the available evidence is currently insufficient to determine the role of this variant in disease. Therefore, it has been classified as a Variant of Uncertain Significance.

Literature cited by the submitters: PubMed 8841184; PubMed 9580611; PubMed 22441188.

NM_153766.3(KCNJ1):c.584C>G (p.Ala195Gly)

Gene: KCNJ1 (potassium inwardly rectifying channel subfamily J member 1; minus strand). Cytogenetic location: 11q24.3.
Variant type: single nucleotide variant.
Coding change: c.584C>G on transcript NM_153766.3 (MANE Select); coding-DNA position 584, C replaced by G.
Protein change: p.Ala195Gly; replaces alanine 195 with glycine.
Molecular consequence: missense variant.
Genome position (GRCh38, 1-based): chr11:128,839,660, G>C on the plus strand (C>G on the coding strand, the complement: KCNJ1 is on the minus strand). VCF-style: chr11-128839660-G-C. GRCh37 (hg19) VCF-style: chr11-128709555-G-C.
Other names: c.641C>G, p.Ala214Gly (NM_000220.6); c.584C>G, p.Ala195Gly (NM_153764.3, NM_153767.4); c.635C>G, p.Ala212Gly (NM_153765.3); short protein forms A195G, A212G, A214G.
Identifiers: ClinVar variation 1055539 (VCV001055539.6), dbSNP rs104894246, ClinGen allele CA6357490.